The following is an entry in ClinVar:

ClinVar aggregate classification (germline): Uncertain significance. Review status: criteria provided, multiple submitters, no conflicts (2 of 4 stars). 2 submissions from 2 submitters: Uncertain significance (2). Last evaluated 2026-01-26.

Conditions:
Loeys-Dietz syndrome 4 (LDS4). Also called: TGFB2-Related Loeys-Dietz Syndrome; ANEURYSM, AORTIC AND CEREBRAL, WITH ARTERIAL TORTUOSITY AND SKELETAL MANIFESTATIONS. Identifiers: MedGen C3553762, MONDO:0013897, OMIM 614816.
Familial thoracic aortic aneurysm and aortic dissection (TAAD). Also called: Thoracic aortic aneurysms and dissections. Identifiers: Orphanet 91387, MedGen C4707243, MONDO:0019625.

Allele frequency attached by ClinVar (database versions not stated): gnomAD exomes below 0.00001.
gnomAD v4.1: 1 of 1,614,170 alleles (0.000062%); highest among the groups gnomAD compares: Non-Finnish European, 0.000085%; no homozygotes.

Submissions (2):

Ambry Genetics
Classification: Uncertain significance for Familial thoracic aortic aneurysm and aortic dissection. Last evaluated: 2026-01-26. Review status: criteria provided, single submitter. Criteria: Ambry Variant Classification Scheme 2023. Collection method: clinical testing. Allele origin: germline.

Labcorp Genetics (formerly Invitae), Labcorp
Classification: Uncertain significance for Loeys-Dietz syndrome 4. Last evaluated: 2026-01-24. Review status: criteria provided, single submitter. Criteria: Invitae Variant Classification Sherloc (09022015). Collection method: clinical testing. Allele origin: germline.
Comment: This sequence change replaces isoleucine, which is neutral and non-polar, with valine, which is neutral and non-polar, at codon 185 of the TGFB2 protein (p.Ile185Val). This variant is not present in population databases (gnomAD no frequency). This missense change has been observed in individual(s) with clinical features of TGFB2-related conditions (internal data). ClinVar contains an entry for this variant (Variation ID: 574831). Invitae Evidence Modeling of protein sequence and biophysical properties (such as structural, functional, and spatial information, amino acid conservation, physicochemical variation, residue mobility, and thermodynamic stability) indicates that this missense variant is not expected to disrupt TGFB2 protein function with a negative predictive value of 80%. In summary, the available evidence is currently insufficient to determine the role of this variant in disease. Therefore, it has been classified as a Variant of Uncertain Significance.

NM_003238.6(TGFB2):c.553A>G (p.Ile185Val)

Gene: TGFB2 (transforming growth factor beta 2; plus strand). Cytogenetic location: 1q41.
Variant type: single nucleotide variant.
Coding change: c.553A>G on transcript NM_003238.6 (MANE Select); coding-DNA position 553, A replaced by G.
Protein change: p.Ile185Val; replaces isoleucine 185 with valine.
Molecular consequence: missense variant. On other transcripts: non-coding transcript variant (2).
Genome position (GRCh38, 1-based): chr1:218,434,124, A>G. VCF-style: chr1-218434124-A-G. GRCh37 (hg19) VCF-style: chr1-218607466-A-G.
Other names: c.637A>G, p.Ile213Val (NM_001135599.4); short protein forms I185V, I213V.
Identifiers: ClinVar variation 574831 (VCV000574831.10), dbSNP rs1558262183, ClinGen allele CA344726508.